The following is an entry in ClinVar:

ClinVar aggregate classification (germline): Uncertain significance (1 of 4 stars; one submission).

Conditions:
Familial adenomatous polyposis 1 (FAP1). Also called: POLYPOSIS, ADENOMATOUS INTESTINAL; FAMILIAL ADENOMATOUS POLYPOSIS 1, ATTENUATED. Identifiers: MedGen C2713442, MONDO:0021056, OMIM 175100. Disease mechanism: loss of function.

Submission:

Labcorp Genetics (formerly Invitae), Labcorp
Classification: Uncertain significance for Familial adenomatous polyposis 1. Last evaluated: 2022-07-31. Review status: criteria provided, single submitter. Criteria: Invitae Variant Classification Sherloc (09022015). Collection method: clinical testing. Allele origin: germline.
Comment: In summary, the available evidence is currently insufficient to determine the role of this variant in disease. Therefore, it has been classified as a Variant of Uncertain Significance. This variant has not been reported in the literature in individuals affected with APC-related conditions. Algorithms developed to predict the effect of missense changes on protein structure and function are either unavailable or do not agree on the potential impact of this missense change (SIFT: "Deleterious"; PolyPhen-2: "Benign"; Align-GVGD: "Class C0"). This variant is not present in population databases (gnomAD no frequency). This sequence change replaces lysine, which is basic and polar, with asparagine, which is neutral and polar, at codon 561 of the APC protein (p.Lys561Asn).

NM_000038.6(APC):c.1683G>C (p.Lys561Asn)

Gene: APC (APC regulator of Wnt signaling pathway; plus strand). Cytogenetic location: 5q22.2.
Variant type: single nucleotide variant.
Coding change: c.1683G>C on transcript NM_000038.6 (MANE Select); coding-DNA position 1683, G replaced by C.
Protein change: p.Lys561Asn; replaces lysine 561 with asparagine.
Molecular consequence: missense variant.
Genome position (GRCh38, 1-based): chr5:112,828,912, G>C. VCF-style: chr5-112828912-G-C. GRCh37 (hg19) VCF-style: chr5-112164609-G-C.
Other names: c.1683G>C, p.Lys561Asn (NM_001127510.3, NM_001354895.2, NM_001407450.1); c.1629G>C, p.Lys543Asn (NM_001127511.3); c.1737G>C, p.Lys579Asn (NM_001354896.2, NM_001407447.1, NM_001407448.1 and 1 more transcripts); c.1713G>C, p.Lys571Asn (NM_001354897.2); c.1608G>C, p.Lys536Asn (NM_001354898.2); c.1599G>C, p.Lys533Asn (NM_001354899.2); c.1560G>C, p.Lys520Asn (NM_001354900.2); c.1506G>C, p.Lys502Asn (NM_001354901.2, NM_001407453.1); and 11 more; short protein forms K177N, K278N, K432N, K536N, K561N, K589N, K435N, K478N.
Identifiers: ClinVar variation 1921604 (VCV001921604.5), dbSNP rs2149817467, ClinGen allele CA16024988.